The following is an entry in ClinVar:

NM_004171.4(SLC1A2):c.244G>A (p.Gly82Arg)

Gene: SLC1A2 (solute carrier family 1 member 2; minus strand). Cytogenetic location: 11p13.
Variant type: single nucleotide variant.
Coding change: c.244G>A on transcript NM_004171.4 (MANE Select); coding-DNA position 244, G replaced by A.
Protein change: p.Gly82Arg; replaces glycine 82 with arginine.
Molecular consequence: missense variant.
Genome position (GRCh38, 1-based): chr11:35,315,089, C>T on the plus strand (G>A on the coding strand, the complement: SLC1A2 is on the minus strand). VCF-style: chr11-35315089-C-T. GRCh37 (hg19) VCF-style: chr11-35336636-C-T.
Other names: SLC1A2, GLY82ARG, 244G-A; c.217G>A, p.Gly73Arg (NM_001195728.3, NM_001252652.2); short protein forms G82R, G73R.
Identifiers: ClinVar variation 438736 (VCV000438736.10), dbSNP rs886037942, ClinGen allele CA380130533.

ClinVar aggregate classification (germline): Pathogenic. Review status: criteria provided, single submitter (1 of 4 stars). 3 submissions from 3 submitters: Pathogenic (1). 2 of the submissions do not count toward it. Last evaluated 2022-02-09.

Conditions:
Developmental and epileptic encephalopathy, 41 (DEE41). Also called: Epileptic encephalopathy, early infantile, 41. Identifiers: MedGen C4310717, MONDO:0014916, OMIM 617105.

Submissions (3):

Labcorp Genetics (formerly Invitae), Labcorp
Classification: Pathogenic. Last evaluated: 2022-02-09. Review status: criteria provided, single submitter. Criteria: Invitae Variant Classification Sherloc (09022015). Collection method: clinical testing. Allele origin: germline.
Comment: Algorithms developed to predict the effect of missense changes on protein structure and function are either unavailable or do not agree on the potential impact of this missense change (SIFT: "Deleterious"; PolyPhen-2: "Probably Damaging"; Align-GVGD: "Class C15"). For these reasons, this variant has been classified as Pathogenic. ClinVar contains an entry for this variant (Variation ID: 438736). This missense change has been observed in individual(s) with SLC1A2-related conditions (PMID: 28777935, 31164858, 31618753). In at least one individual the variant was observed to be de novo. This variant is not present in population databases (gnomAD no frequency). This sequence change replaces glycine, which is neutral and non-polar, with arginine, which is basic and polar, at codon 82 of the SLC1A2 protein (p.Gly82Arg).

OMIM
Classification: Pathogenic for DEVELOPMENTAL AND EPILEPTIC ENCEPHALOPATHY 41. Last evaluated: 2020-11-19. Review status: no assertion criteria provided. Collection method: literature only. Allele origin: germline. Not counted in ClinVar's aggregate classification.

Center of Excellence for Medical Genomics, Chulalongkorn University
Classification: Pathogenic for Developmental and epileptic encephalopathy, 41. Last evaluated: 2002-09-08. Review status: no assertion criteria provided. Collection method: research. Allele origin: de novo. Affected: yes. Not counted in ClinVar's aggregate classification.

Literature cited by the submitters: PubMed 28777935 (cited by Labcorp Genetics (formerly Invitae), Labcorp and OMIM); PubMed 31164858 (cited by Labcorp Genetics (formerly Invitae), Labcorp); PubMed 31618753 (cited by Labcorp Genetics (formerly Invitae), Labcorp).